The following is an entry in ClinVar:

NM_001035.3(RYR2):c.6126G>A (p.Lys2042=)

Gene: RYR2 (ryanodine receptor 2; plus strand). Cytogenetic location: 1q43.
Variant type: single nucleotide variant.
Coding change: c.6126G>A on transcript NM_001035.3 (MANE Select); coding-DNA position 6126, G replaced by A.
Protein change: p.Lys2042=; no amino-acid change (lysine 2042 retained).
Molecular consequence: synonymous variant.
Genome position (GRCh38, 1-based): chr1:237,625,764, G>A. VCF-style: chr1-237625764-G-A. GRCh37 (hg19) VCF-style: chr1-237789064-G-A.
Identifiers: ClinVar variation 753833 (VCV000753833.10), dbSNP rs1433457033, ClinGen allele CA423821606.
Genomic context (GRCh38, chr1:237,625,764, plus strand): 5'-TTTAACAATTAGAGGGCGTCTGCTATCCCTGGTAGAAAAGGTGACATATCTGAAGAAGAA[G>A]CAAGCAGAAAAACCAGTTGAGAGTGACTCCAAAAAGTCCTGTAAGCAGTATGAGAGTGCA-3'
Protein context (NP_001026.2, residues 2032-2052): LVEKVTYLKK[Lys2042=]QAEKPVESDS

ClinVar aggregate classification (germline): Likely benign. Review status: criteria provided, multiple submitters, no conflicts (2 of 4 stars). 3 submissions from 3 submitters: Likely benign (3). Last evaluated 2023-11-16.

Conditions:
Catecholaminergic polymorphic ventricular tachycardia (CVPT). Also called: Catecholamine-induced polymorphic ventricular tachycardia. Identifiers: Orphanet 3286, MedGen C5574922, MONDO:0017990.
Catecholaminergic polymorphic ventricular tachycardia 1. Also called: RYR2-Related Catecholaminergic Polymorphic Ventricular Tachycardia; VENTRICULAR TACHYCARDIA, CATECHOLAMINERGIC POLYMORPHIC, 1, WITH OR WITHOUT ATRIAL DYSFUNCTION AND/OR DILATED CARDIOMYOPATHY; VENTRICULAR TACHYCARDIA, STRESS-INDUCED POLYMORPHIC 1. Identifiers: Orphanet 3286, MedGen C1631597, MONDO:0011484, OMIM 604772.

Allele frequency attached by ClinVar (database versions not stated): TOPMed below 0.00001.
gnomAD v4.1: 4 of 1,613,758 alleles (0.00025%); highest among the groups gnomAD compares: Admixed American, 0.005%; no homozygotes.

Submissions (3):

Labcorp Genetics (formerly Invitae), Labcorp
Classification: Likely benign for Catecholaminergic polymorphic ventricular tachycardia 1. Last evaluated: 2023-11-16. Review status: criteria provided, single submitter. Criteria: Invitae Variant Classification Sherloc (09022015). Collection method: clinical testing. Allele origin: germline.

Blueprint Genetics
Classification: Likely benign. Last evaluated: 2023-04-24. Review status: criteria provided, single submitter. Criteria: ACMG Guidelines, 2015. Collection method: clinical testing. Allele origin: germline.

All of Us Research Program, National Institutes of Health
Classification: Likely benign for Catecholaminergic polymorphic ventricular tachycardia. Last evaluated: 2023-03-09. Review status: criteria provided, single submitter. Criteria: ACMG Guidelines, 2015. Collection method: clinical testing. Allele origin: germline. Inheritance: Autosomal dominant inheritance. Observed: 1 variant allele, 1 heterozygote.
Comment: This study involves interpretation of variants in research participants for the purpose of population health screening. Participant phenotype was not available at the time of variant classification. Additional details can be found in publication PMID: 35346344, PMCID: PMC8962531